The following is an entry in ClinVar:

NM_018082.6(POLR3B):c.1628-9T>A

Gene: POLR3B (RNA polymerase III subunit B; plus strand). Cytogenetic location: 12q23.3.
Variant type: single nucleotide variant.
Coding change: c.1628-9T>A on transcript NM_018082.6 (MANE Select); 9 bases into the intron before coding-DNA position 1628, T replaced by A.
Molecular consequence: intron variant.
Genome position (GRCh38, 1-based): chr12:106,433,710, T>A. VCF-style: chr12-106433710-T-A. GRCh37 (hg19) VCF-style: chr12-106827488-T-A.
Other names: c.1454-9T>A (NM_001160708.2).
Identifiers: ClinVar variation 729182 (VCV000729182.14), dbSNP rs142016465, ClinGen allele CA6761984.
Genomic context (GRCh38, chr12:106,433,710, plus strand): 5'-GTTGGATATATTAAATCAGGTTGCATTTATTTTTTATTTCTGTCTTACCTGTTCTTTCTT[T>A]TTGCCTAGGTAACATCTTAGGTGTCATTCGAGACCACAAAAAGCTAGTGAATACATTTCG-3'

ClinVar aggregate classification (germline): Benign/Likely benign. Review status: criteria provided, multiple submitters, no conflicts (2 of 4 stars). 4 submissions from 4 submitters: Benign (1); Likely benign (2). 1 of the submissions does not count toward it. Last evaluated 2026-02-01.

Conditions:
POLR3B-related disorder. Also called: POLR3B-related condition; POLR3B-related disorders. Identifiers: MedGen CN378588, MONDO:0700277.

Allele frequency attached by ClinVar (database versions not stated): gnomAD exomes 0.00017 and 0.00043; ExAC 0.00051; 1000 Genomes Project 30x 0.00094; 1000 Genomes Project 0.00100; gnomAD 0.00186 and 0.00207; ESP Exome Variant Server 0.00192; TOPMed 0.00212.
gnomAD v4.1: 545 of 1,610,726 alleles (0.034%); highest among the groups gnomAD compares: African/African-American, 0.64%; 2 homozygotes.

Submissions (4):

Labcorp Genetics (formerly Invitae), Labcorp
Classification: Benign. Last evaluated: 2026-02-01. Review status: criteria provided, single submitter. Criteria: Invitae Variant Classification Sherloc (09022015). Collection method: clinical testing. Allele origin: germline.

Blueprint Genetics
Classification: Likely benign. Last evaluated: 2024-10-22. Review status: criteria provided, single submitter. Criteria: ACMG Guidelines, 2015. Collection method: clinical testing. Allele origin: germline.

GeneDx
Classification: Likely benign. Last evaluated: 2019-05-29. Review status: criteria provided, single submitter. Criteria: GeneDx Variant Classification Process June 2021. Collection method: clinical testing. Allele origin: germline. Affected: yes.

PreventionGenetics, part of Exact Sciences
Classification: Likely benign for POLR3B-related condition. Last evaluated: 2024-09-06. Review status: no assertion criteria provided. Collection method: clinical testing. Allele origin: germline. Not counted in ClinVar's aggregate classification.
Comment: This variant is classified as likely benign based on ACMG/AMP sequence variant interpretation guidelines (Richards et al. 2015 PMID: 25741868, with internal and published modifications).